The following is an entry in ClinVar:

ClinVar aggregate classification (germline): Conflicting classifications of pathogenicity. Review status: criteria provided, conflicting classifications (1 of 4 stars). 12 submissions from 10 submitters: Uncertain significance (3); Benign (1); Likely benign (8). Last evaluated 2026-09-01.

Conditions:
Inborn genetic diseases. Identifiers: MedGen C0950123, MeSH D030342.
Wilms tumor 1 (WT1). Also called: Wilms tumor, somatic. Identifiers: Orphanet 654, MedGen CN033288, MONDO:0008679, OMIM 194070.
11p partial monosomy syndrome (WAGR). Also called: WAGR Spectrum Disorder; WAGR syndrome; CHROMOSOME 11p13 DELETION SYNDROME; WAGR Complex. Identifiers: Orphanet 893, MedGen C0206115, MONDO:0008681, OMIM 194072.
Frasier syndrome. Identifiers: Orphanet 347, MedGen C0950122, MeSH D052159, MONDO:0007635, OMIM 136680.
Drash syndrome (DDS). Also called: WILMS TUMOR AND PSEUDO- OR TRUE HERMAPHRODITISM; NEPHROPATHY, WILMS TUMOR, AND GENITAL ANOMALIES. Identifiers: Orphanet 220, MedGen C0950121, MONDO:0008682, OMIM 194080.
Hereditary cancer-predisposing syndrome. Also called: Hereditary neoplastic syndrome; Hereditary Cancer Syndrome; Neoplastic Syndromes, Hereditary; Tumor predisposition. Identifiers: Orphanet 140162, MedGen C0027672, MeSH D009386, MONDO:0015356.
Nephrotic syndrome, type 4 (NPHS4). Also called: Familial mesangial sclerosis; Nephrotic syndrome, early onset with diffuse mesangial sclerosis. Identifiers: Orphanet 656, MedGen C3151568, MONDO:0009733, OMIM 256370.
Meacham syndrome. Also called: Meacham Winn Culler syndrome. Identifiers: Orphanet 3097, MedGen C1837026, MONDO:0012164, OMIM 608978.

Allele frequency attached by ClinVar (database versions not stated): TOPMed 0.00008; gnomAD exomes 0.00009; ExAC 0.00023.
gnomAD v4.1: 116 of 1,518,646 alleles (0.0076%); highest among the groups gnomAD compares: Middle Eastern, 0.56%; no homozygotes.

Submissions (12):

CeGaT Center for Human Genetics Tuebingen
Classification: Likely benign. Last evaluated: 2026-09-01. Review status: criteria provided, single submitter. Criteria: CeGaT Center For Human Genetics Tuebingen Variant Classification Criteria Version 2. Collection method: clinical testing. Allele origin: germline. Affected: yes. Observed: 12 variant alleles.
Comment: WT1: BP4, BP7

Labcorp Genetics (formerly Invitae), Labcorp
Classification: Benign for Wilms tumor 1; Drash syndrome; 11p partial monosomy syndrome; Frasier syndrome. Last evaluated: 2026-01-21. Review status: criteria provided, single submitter. Criteria: Invitae Variant Classification Sherloc (09022015). Collection method: clinical testing. Allele origin: germline.

Mayo Clinic Laboratories, Mayo Clinic
Classification: Likely benign. Last evaluated: 2025-05-14. Review status: criteria provided, single submitter. Criteria: ACMG Guidelines, 2015. Collection method: clinical testing. Allele origin: germline. Observed: 1 variant allele.
Comment: BS1, BP4, BP7

Blueprint Genetics
Classification: Likely benign. Last evaluated: 2024-11-19. Review status: criteria provided, single submitter. Criteria: ACMG Guidelines, 2015. Collection method: clinical testing. Allele origin: germline.

Ambry Genetics
Classification: Likely benign for Inborn genetic diseases. Last evaluated: 2024-08-21. Review status: criteria provided, single submitter. Criteria: Ambry Variant Classification Scheme 2023. Collection method: clinical testing. Allele origin: germline.

Sema4
Classification: Likely benign for Hereditary cancer-predisposing syndrome. Last evaluated: 2021-08-19. Review status: criteria provided, single submitter. Criteria: Sema4 Curation Guidelines. Collection method: curation. Allele origin: germline.

Genetic Services Laboratory, University of Chicago
Classification: Likely benign. Last evaluated: 2021-04-09. Review status: criteria provided, single submitter. Criteria: ACMG Guidelines, 2015. Collection method: clinical testing. Allele origin: germline. Affected: no.

Illumina Laboratory Services, Illumina
Classification: Uncertain significance for Nephrotic syndrome, type 4. Last evaluated: 2018-01-13. Review status: criteria provided, single submitter. Criteria: ICSL Variant Classification Criteria 13 December 2019. Collection method: clinical testing. Allele origin: germline.

Illumina Laboratory Services, Illumina
Classification: Uncertain significance for Meacham syndrome. Last evaluated: 2018-01-13. Review status: criteria provided, single submitter. Criteria: ICSL Variant Classification Criteria 13 December 2019. Collection method: clinical testing. Allele origin: germline.

Illumina Laboratory Services, Illumina
Classification: Uncertain significance for Wilms tumor 1. Last evaluated: 2018-01-13. Review status: criteria provided, single submitter. Criteria: ICSL Variant Classification Criteria 13 December 2019. Collection method: clinical testing. Allele origin: germline.

GeneDx
Classification: Likely benign. Last evaluated: 2017-12-26. Review status: criteria provided, single submitter. Criteria: GeneDx Variant Classification (06012015). Collection method: clinical testing. Allele origin: germline. Affected: yes.
Comment: This variant is considered likely benign or benign based on one or more of the following criteria: it is a conservative change, it occurs at a poorly conserved position in the protein, it is predicted to be benign by multiple in silico algorithms, and/or has population frequency not consistent with disease.

PreventionGenetics, part of Exact Sciences
Classification: Likely benign. Review status: criteria provided, single submitter. Criteria: ACMG Guidelines, 2015. Collection method: clinical testing. Allele origin: germline.

NM_024426.6(WT1):c.381C>G (p.Pro127=)

Genes: WT1 (WT1 transcription factor; minus strand), LOC107982234 (WT1/WT1-AS bi-directional promoter region; plus strand). Cytogenetic location: 11p13.
Variant type: single nucleotide variant.
Coding change: c.381C>G on transcript NM_024426.6 (MANE Select); coding-DNA position 381, C replaced by G.
Protein change: p.Pro127=; no amino-acid change (proline 127 retained).
Molecular consequence: synonymous variant. On other transcripts: non-coding transcript variant (1).
Genome position (GRCh38, 1-based): chr11:32,434,980, G>C on the plus strand (C>G on the coding strand, the complement: WT1 is on the minus strand). VCF-style: chr11-32434980-G-C. GRCh37 (hg19) VCF-style: chr11-32456526-G-C.
Other names: p.Pro127=; c.381C>G, p.Pro127= (NM_000378.6, NM_024424.5).
Identifiers: ClinVar variation 261711 (VCV000261711.61), dbSNP rs771681406, ClinGen allele CA064867.
Genomic context (GRCh38, chr11:32,434,980, plus strand): 5'-CTGTTTGATGAAGGAGTGAGGCGGCGGCGGCGGGGGTGGCGGCGGAGCCGGTGGCGGCGC[G>C]GGGCCGCCCAACGACCCGTAAGCCGAAGCGCCCGGGGGCGCAAAGTCCAGCACCGGCGCC-3'
Protein context (NP_077744.4, residues 117-137): GASAYGSLGG[Pro127=]APPPAPPPPP